The following is an entry in ClinVar:

ClinVar aggregate classification (germline): Uncertain significance (1 of 4 stars; one submission).

Submission:

Labcorp Genetics (formerly Invitae), Labcorp
Classification: Uncertain significance. Last evaluated: 2023-03-18. Review status: criteria provided, single submitter. Criteria: Invitae Variant Classification Sherloc (09022015). Collection method: clinical testing. Allele origin: unknown.
Comment: In summary, the available evidence is currently insufficient to determine the role of this variant in disease. Therefore, it has been classified as a Variant of Uncertain Significance. This variant has not been reported in the literature in individuals affected with IGF1R-related conditions. This variant results in a copy number gain of the genomic region encompassing exon(s) 21 of the IGF1R gene. This region includes the termination codon of the gene. This copy number gain extends beyond the assayed region for this gene and therefore may encompass additional genes. As the precise location of this event is unknown, it may be in tandem or it may be located elsewhere in the genome.

NC_000015.9:g.(?_99500270)_(99505828_?)dup

Gene: IGF1R (insulin like growth factor 1 receptor; plus strand). Cytogenetic location: 15q26.3.
Variant type: Duplication.
Identifiers: ClinVar variation 3243863 (VCV003243863.1).